The following is an entry in ClinVar:

ClinVar aggregate classification (germline): Pathogenic (1 of 4 stars; one submission).

Conditions:
Retinoblastoma (RB1). Also called: RETINOBLASTOMA, SOMATIC. Identifiers: Orphanet 790, MedGen C0035335, MeSH D012175, MONDO:0008380, OMIM 180200, HP:0009919. Disease mechanism: loss of function. Inheritance: Both sporadic and heritable forms are tested..

Submission:

Labcorp Genetics (formerly Invitae), Labcorp
Classification: Pathogenic for Retinoblastoma. Last evaluated: 2023-03-03. Review status: criteria provided, single submitter. Criteria: Invitae Variant Classification Sherloc (09022015). Collection method: clinical testing. Allele origin: germline.
Comment: For these reasons, this variant has been classified as Pathogenic. ClinVar contains an entry for this variant (Variation ID: 2137496). This premature translational stop signal has been observed in individual(s) with retinoblastoma (PMID: 8776589). This variant is not present in population databases (gnomAD no frequency). This sequence change creates a premature translational stop signal (p.Ser397*) in the RB1 gene. It is expected to result in an absent or disrupted protein product. Loss-of-function variants in RB1 are known to be pathogenic (PMID: 17096365).

Literature cited by the submitters: PubMed 8776589; PubMed 17096365.

NM_000321.3(RB1):c.1190C>A (p.Ser397Ter)

Gene: RB1 (RB transcriptional corepressor 1; plus strand). Cytogenetic location: 13q14.2.
Variant type: single nucleotide variant.
Coding change: c.1190C>A on transcript NM_000321.3 (MANE Select); coding-DNA position 1190, C replaced by A.
Protein change: p.Ser397Ter; replaces serine 397 with a stop codon.
Molecular consequence: nonsense.
Genome position (GRCh38, 1-based): chr13:48,373,467, C>A. VCF-style: chr13-48373467-C-A. GRCh37 (hg19) VCF-style: chr13-48947603-C-A.
Other names: c.1190C>A, p.Ser397Ter (NM_001407165.1, NM_001407166.1); short protein forms S397*.
Identifiers: ClinVar variation 2137496 (VCV002137496.4), dbSNP rs2138131253, ClinGen allele CA388161609.
Genomic context (GRCh38, chr13:48,373,467, plus strand): 5'-CTGTTATGAACACTATCCAACAATTAATGATGATTTTAAATTCAGCAAGTGATCAACCTT[C>A]AGAAAATCTGATTTCCTATTTTAACGTAAGCCATATATGAAACATTATTTATTGTAATAT-3'